The following is an entry in ClinVar:

NM_000384.3(APOB):c.10310G>A (p.Arg3437Lys)

Gene: APOB (apolipoprotein B; minus strand). Cytogenetic location: 2p24.1.
Variant type: single nucleotide variant.
Coding change: c.10310G>A on transcript NM_000384.3 (MANE Select); coding-DNA position 10310, G replaced by A.
Protein change: p.Arg3437Lys; replaces arginine 3437 with lysine.
Molecular consequence: missense variant.
Genome position (GRCh38, 1-based): chr2:21,006,558, C>T on the plus strand (G>A on the coding strand, the complement: APOB is on the minus strand). VCF-style: chr2-21006558-C-T. GRCh37 (hg19) VCF-style: chr2-21229430-C-T.
Other names: short protein forms R3437K.
Identifiers: ClinVar variation 936454 (VCV000936454.9), dbSNP rs1663144751, ClinGen allele CA345986817.

ClinVar aggregate classification (germline): Uncertain significance. Review status: criteria provided, multiple submitters, no conflicts (2 of 4 stars). 2 submissions from 2 submitters: Uncertain significance (2). Last evaluated 2025-12-30.

Conditions:
Cardiovascular phenotype. Identifiers: MedGen CN230736.
Familial hypobetalipoproteinemia 1. Also called: Hypobetalipoproteinemia, normotriglyceridemic; Acanthocytosis with hypobetalipoproteinemia; APOB-Related Familial Hypobetalipoproteinemia. Identifiers: MedGen C4551990, MONDO:0014252, OMIM 615558.
Hypercholesterolemia, autosomal dominant, type B (FHCL2). Also called: Familial Hypercholesterolemia Type B; HYPERCHOLESTEROLEMIA, FAMILIAL, DUE TO LIGAND-DEFECTIVE APOLIPOPROTEIN B; Familial hypercholesterolemia 2; APOB-Related Familial Hypercholesterolemia, Autosomal Dominant; APOLIPOPROTEIN B-100, FAMILIAL DEFECTIVE; APOLIPOPROTEIN B-100, FAMILIAL LIGAND-DEFECTIVE. Identifiers: MedGen C1704417, MONDO:0007751, OMIM 144010.

Submissions (2):

Ambry Genetics
Classification: Uncertain significance for Cardiovascular phenotype. Last evaluated: 2025-12-30. Review status: criteria provided, single submitter. Criteria: Ambry Variant Classification Scheme 2023. Collection method: clinical testing. Allele origin: germline.
Comment: The p.R3437K variant (also known as c.10310G>A), located in coding exon 26 of the APOB gene, results from a G to A substitution at nucleotide position 10310. The arginine at codon 3437 is replaced by lysine, an amino acid with highly similar properties. This amino acid position is conserved. In addition, this alteration is predicted to be tolerated by in silico analysis. Based on the available evidence, the clinical significance of this variant remains unclear.

Labcorp Genetics (formerly Invitae), Labcorp
Classification: Uncertain significance for Familial hypobetalipoproteinemia 1; Hypercholesterolemia, autosomal dominant, type B. Last evaluated: 2021-09-02. Review status: criteria provided, single submitter. Criteria: Invitae Variant Classification Sherloc (09022015). Collection method: clinical testing. Allele origin: germline.
Comment: This sequence change replaces arginine with lysine at codon 3437 of the APOB protein (p.Arg3437Lys). The arginine residue is weakly conserved and there is a small physicochemical difference between arginine and lysine. This variant is not present in population databases (ExAC no frequency). This variant has not been reported in the literature in individuals affected with APOB-related conditions. Algorithms developed to predict the effect of missense changes on protein structure and function output the following: SIFT: "Tolerated"; PolyPhen-2: "Benign"; Align-GVGD: "Class C0". The lysine amino acid residue is found in multiple mammalian species, which suggests that this missense change does not adversely affect protein function. In summary, the available evidence is currently insufficient to determine the role of this variant in disease. Therefore, it has been classified as a Variant of Uncertain Significance.